The following is an entry in ClinVar:

ClinVar aggregate classification (germline): Benign (0 of 4 stars; one submission).

Conditions:
PIK3C2B-related disorder. Also called: PIK3C2B-related condition.

Allele frequency attached by ClinVar (database versions not stated): gnomAD exomes 0.00019; ExAC 0.00061; TOPMed 0.00201; gnomAD 0.00206; 1000 Genomes Project 30x 0.00234; ESP Exome Variant Server 0.00269; 1000 Genomes Project 0.00280.
gnomAD v4.1: 595 of 1,612,966 alleles (0.037%); highest among the groups gnomAD compares: African/African-American, 0.69%; 4 homozygotes.

Submission:

PreventionGenetics, part of Exact Sciences
Classification: Benign for PIK3C2B-related condition. Last evaluated: 2024-03-11. Review status: no assertion criteria provided. Collection method: clinical testing. Allele origin: germline.
Comment: This variant is classified as benign based on ACMG/AMP sequence variant interpretation guidelines (Richards et al. 2015 PMID: 25741868, with internal and published modifications).

NM_001377334.1(PIK3C2B):c.1623C>T (p.Asn541=)

Gene: PIK3C2B (phosphatidylinositol-4-phosphate 3-kinase catalytic subunit type 2 beta; minus strand). Cytogenetic location: 1q32.1.
Variant type: single nucleotide variant.
Coding change: c.1623C>T on transcript NM_001377334.1 (MANE Select); coding-DNA position 1623, C replaced by T.
Protein change: p.Asn541=; no amino-acid change (asparagine 541 retained).
Molecular consequence: synonymous variant.
Genome position (GRCh38, 1-based): chr1:204,457,818, G>A on the plus strand (C>T on the coding strand, the complement: PIK3C2B is on the minus strand). VCF-style: chr1-204457818-G-A. GRCh37 (hg19) VCF-style: chr1-204426946-G-A.
Other names: c.1623C>T, p.Asn541= (NM_001377335.1, NM_002646.4).
Identifiers: ClinVar variation 3040177 (VCV003040177.2), dbSNP rs61762598, ClinGen allele CA1347931.